The following is an entry in ClinVar:

NM_001374736.1(DST):c.13052A>T (p.Asp4351Val)

Gene: DST (dystonin; minus strand). Cytogenetic location: 6p12.1.
Variant type: single nucleotide variant.
Coding change: c.13052A>T on transcript NM_001374736.1 (MANE Select); coding-DNA position 13052, A replaced by T.
Protein change: p.Asp4351Val; replaces aspartic acid 4351 with valine.
Molecular consequence: missense variant.
Genome position (GRCh38, 1-based): chr6:56,573,863, T>A on the plus strand (A>T on the coding strand, the complement: DST is on the minus strand). VCF-style: chr6-56573863-T-A. GRCh37 (hg19) VCF-style: chr6-56438661-T-A.
Other names: c.6695A>T, p.Asp2232Val (NM_001144769.5); c.6281A>T, p.Asp2094Val (NM_001144770.2); c.13052A>T, p.Asp4351Val (NM_001374722.1); c.12419A>T, p.Asp4140Val (NM_001374729.1); c.6161A>T, p.Asp2054Val (NM_001374730.1, NM_183380.4); c.13079A>T, p.Asp4360Val (NM_001374734.1); c.5183A>T, p.Asp1728Val (NM_015548.5); short protein forms D4140V, D4351V, D1728V, D2054V, D4360V, D2094V, D2232V.
Identifiers: ClinVar variation 969354 (VCV000969354.8), dbSNP rs2097818861, ClinGen allele CA364528191.

ClinVar aggregate classification (germline): Uncertain significance (1 of 4 stars; one submission).

Conditions:
Epidermolysis bullosa simplex 3, localized or generalized intermediate, with BP230 deficiency (EBS3). Also called: Epidermolysis bullosa simplex, autosomal recessive 2; Epidermolysis bullosa simplex due to BP230 deficiency. Identifiers: Orphanet 412181, MedGen C3809470, MONDO:0014180, OMIM 615425.
Hereditary sensory and autonomic neuropathy type 6. Also called: Neuropathy, hereditary sensory and autonomic, type VI; HSAN VI. Identifiers: Orphanet 314381, MedGen C3539003, MONDO:0013839, OMIM 614653.

gnomAD v4.1: 6 of 1,612,934 alleles (0.00037%); highest among the groups gnomAD compares: Non-Finnish European, 0.00051%; no homozygotes.

Submission:

Labcorp Genetics (formerly Invitae), Labcorp
Classification: Uncertain significance for Epidermolysis bullosa simplex 3, localized or generalized intermediate, with BP230 deficiency; Hereditary sensory and autonomic neuropathy type 6. Last evaluated: 2019-12-15. Review status: criteria provided, single submitter. Criteria: Invitae Variant Classification Sherloc (09022015). Collection method: clinical testing. Allele origin: germline.
Comment: In summary, the available evidence is currently insufficient to determine the role of this variant in disease. Therefore, it has been classified as a Variant of Uncertain Significance. Algorithms developed to predict the effect of missense changes on protein structure and function are either unavailable or do not agree on the potential impact of this missense change (SIFT: "Tolerated"; PolyPhen-2: "Not Available"; Align-GVGD: "Class C0"). This variant has not been reported in the literature in individuals with DST-related conditions. This variant is not present in population databases (ExAC no frequency). This sequence change replaces aspartic acid with valine at codon 1728 of the DST protein (p.Asp1728Val). The aspartic acid residue is weakly conserved and there is a large physicochemical difference between the two amino acids. The DST gene has multiple clinically relevant transcripts. This variant occurs in alternate transcript NM_015548.4, and corresponds to NM_001723.5:c.*41654A>T in the primary transcript.